The following is an entry in ClinVar:

ClinVar aggregate classification (germline): Uncertain significance (1 of 4 stars; one submission).

Conditions:
Acromesomelic dysplasia 3 (AMD3). Also called: CHONDRODYSPLASIA, ACROMESOMELIC, WITH OR WITHOUT GENITAL ANOMALIES; Acromesomelic dysplasia, Demirhan type. Identifiers: MedGen C4225404, MONDO:0012274, OMIM 609441.
Type A2 brachydactyly (BDA2). Also called: MOHR-WRIEDT TYPE BRACHYDACTYLY; BRACHYMESOPHALANGY II; Brachymesophalangy type 2. Identifiers: Orphanet 93396, MedGen C1832702, MONDO:0007216, OMIM 112600, HP:0009372.

gnomAD v4.1: 9 of 1,613,878 alleles (0.00056%); highest among the groups gnomAD compares: East Asian, 0.013%; no homozygotes.

Submission:

Labcorp Genetics (formerly Invitae), Labcorp
Classification: Uncertain significance for Type A2 brachydactyly; Acromesomelic dysplasia 3. Last evaluated: 2024-09-29. Review status: criteria provided, single submitter. Criteria: Invitae Variant Classification Sherloc (09022015). Collection method: clinical testing. Allele origin: germline.
Comment: This sequence change replaces methionine, which is neutral and non-polar, with isoleucine, which is neutral and non-polar, at codon 253 of the BMPR1B protein (p.Met253Ile). This variant is present in population databases (rs200446727, gnomAD 0.02%). This variant has not been reported in the literature in individuals affected with BMPR1B-related conditions. Invitae Evidence Modeling of protein sequence and biophysical properties (such as structural, functional, and spatial information, amino acid conservation, physicochemical variation, residue mobility, and thermodynamic stability) indicates that this missense variant is not expected to disrupt BMPR1B protein function with a negative predictive value of 80%. In summary, the available evidence is currently insufficient to determine the role of this variant in disease. Therefore, it has been classified as a Variant of Uncertain Significance.

NM_001203.3(BMPR1B):c.759G>A (p.Met253Ile)

Gene: BMPR1B (bone morphogenetic protein receptor type 1B; plus strand). Cytogenetic location: 4q22.3.
Variant type: single nucleotide variant.
Coding change: c.759G>A on transcript NM_001203.3 (MANE Select); coding-DNA position 759, G replaced by A.
Protein change: p.Met253Ile; replaces methionine 253 with isoleucine.
Molecular consequence: missense variant.
Genome position (GRCh38, 1-based): chr4:95,130,035, G>A. VCF-style: chr4-95130035-G-A. GRCh37 (hg19) VCF-style: chr4-96051186-G-A.
Other names: c.759G>A, p.Met253Ile (NM_001256792.2, NM_001256794.1); c.849G>A, p.Met283Ile (NM_001256793.2); short protein forms M253I, M283I.
Identifiers: ClinVar variation 3752101 (VCV003752101.2).
Genomic context (GRCh38, chr4:95,130,035, plus strand): 5'-CTTCACCACAGAGGAAGCCAGCTGGTTCAGAGAGACAGAAATATATCAGACAGTGTTGAT[G>A]AGGCATGAAAACATTTTGGGTGAGTAAAAGTCTGCATAGCTATGTTCAGGGTTTCCTAGC-3'
Protein context (NP_001194.1, residues 243-263): RETEIYQTVL[Met253Ile]RHENILGFIA